The following is an entry in ClinVar:

NM_015662.3(IFT172):c.1100G>A (p.Arg367His)

Gene: IFT172 (intraflagellar transport 172; minus strand). Cytogenetic location: 2p23.3.
Variant type: single nucleotide variant.
Coding change: c.1100G>A on transcript NM_015662.3 (MANE Select); coding-DNA position 1100, G replaced by A.
Protein change: p.Arg367His; replaces arginine 367 with histidine.
Molecular consequence: missense variant.
Genome position (GRCh38, 1-based): chr2:27,478,062, C>T on the plus strand (G>A on the coding strand, the complement: IFT172 is on the minus strand). VCF-style: chr2-27478062-C-T. GRCh37 (hg19) VCF-style: chr2-27700929-C-T.
Other names: short protein forms R367H.
Identifiers: ClinVar variation 963132 (VCV000963132.10), dbSNP rs755263642, ClinGen allele CA1580772.

ClinVar aggregate classification (germline): Uncertain significance. Review status: criteria provided, multiple submitters, no conflicts (2 of 4 stars). 3 submissions from 3 submitters: Uncertain significance (3). Last evaluated 2026-02-05.

Conditions:
IFT172-related disorder. Also called: IFT172-related disorders; IFT172-related condition.
Short-rib thoracic dysplasia 10 with or without polydactyly (SRTD10). Identifiers: Orphanet 474, MedGen C3810175, MONDO:0014284, OMIM 615630.
Retinitis pigmentosa 71 (RP71). Identifiers: Orphanet 791, MedGen C4225342, MONDO:0014618, OMIM 616394.

Allele frequency attached by ClinVar (database versions not stated): gnomAD 0.00004; TOPMed 0.00005.
gnomAD v4.1: 23 of 1,614,108 alleles (0.0014%); highest among the groups gnomAD compares: East Asian, 0.011%; no homozygotes.

Submissions (3):

PreventionGenetics, part of Exact Sciences
Classification: Uncertain significance for IFT172-related condition. Last evaluated: 2026-02-05. Review status: criteria provided, single submitter. Criteria: ACMG Guidelines, 2015. Collection method: clinical testing. Allele origin: germline.
Comment: The IFT172 c.1100G>A variant is predicted to result in the amino acid substitution p.Arg367His. To our knowledge, this variant has not been reported in the literature. This variant is reported in 0.025% of alleles in individuals of East Asian descent in gnomAD. At this time, the clinical significance of this variant is uncertain due to the absence of conclusive functional and genetic evidence.

Labcorp Genetics (formerly Invitae), Labcorp
Classification: Uncertain significance for Retinitis pigmentosa 71; Short-rib thoracic dysplasia 10 with or without polydactyly. Last evaluated: 2022-08-21. Review status: criteria provided, single submitter. Criteria: Invitae Variant Classification Sherloc (09022015). Collection method: clinical testing. Allele origin: germline.
Comment: This sequence change replaces arginine, which is basic and polar, with histidine, which is basic and polar, at codon 367 of the IFT172 protein (p.Arg367His). This variant is present in population databases (rs755263642, gnomAD 0.03%). This variant has not been reported in the literature in individuals affected with IFT172-related conditions. ClinVar contains an entry for this variant (Variation ID: 963132). Algorithms developed to predict the effect of missense changes on protein structure and function are either unavailable or do not agree on the potential impact of this missense change (SIFT: "Deleterious"; PolyPhen-2: "Benign"; Align-GVGD: "Class C0"). In summary, the available evidence is currently insufficient to determine the role of this variant in disease. Therefore, it has been classified as a Variant of Uncertain Significance.

Blueprint Genetics
Classification: Uncertain significance. Last evaluated: 2018-01-12. Review status: criteria provided, single submitter. Criteria: ACMG Guidelines, 2015. Collection method: clinical testing. Allele origin: germline.